The following is an entry in ClinVar:

ClinVar aggregate classification (germline): Uncertain significance. Review status: criteria provided, multiple submitters, no conflicts (2 of 4 stars). 2 submissions from 2 submitters: Uncertain significance (2). Last evaluated 2025-12-21.

Conditions:
Brugada syndrome 8 (BRGDA8). Identifiers: Orphanet 130, MedGen C2751083, MONDO:0013148, OMIM 613123.
Cardiovascular phenotype. Identifiers: MedGen CN230736.

Submissions (2):

Ambry Genetics
Classification: Uncertain significance for Cardiovascular phenotype. Last evaluated: 2025-12-21. Review status: criteria provided, single submitter. Criteria: Ambry Variant Classification Scheme 2023. Collection method: clinical testing. Allele origin: germline.
Comment: The p.A62P variant (also known as c.184G>C), located in coding exon 1 of the HCN4 gene, results from a G to C substitution at nucleotide position 184. The alanine at codon 62 is replaced by proline, an amino acid with highly similar properties. This amino acid position is conserved. In addition, the in silico prediction for this alteration is inconclusive. Based on the available evidence, the clinical significance of this variant remains unclear.

Labcorp Genetics (formerly Invitae), Labcorp
Classification: Uncertain significance for Brugada syndrome 8. Last evaluated: 2022-08-09. Review status: criteria provided, single submitter. Criteria: Invitae Variant Classification Sherloc (09022015). Collection method: clinical testing. Allele origin: germline.
Comment: This sequence change replaces alanine, which is neutral and non-polar, with proline, which is neutral and non-polar, at codon 62 of the HCN4 protein (p.Ala62Pro). This variant is not present in population databases (gnomAD no frequency). This variant has not been reported in the literature in individuals affected with HCN4-related conditions. ClinVar contains an entry for this variant (Variation ID: 1415508). Advanced modeling of protein sequence and biophysical properties (such as structural, functional, and spatial information, amino acid conservation, physicochemical variation, residue mobility, and thermodynamic stability) performed at Invitae indicates that this missense variant is not expected to disrupt HCN4 protein function. In summary, the available evidence is currently insufficient to determine the role of this variant in disease. Therefore, it has been classified as a Variant of Uncertain Significance.

NM_005477.3(HCN4):c.184G>C (p.Ala62Pro)

Gene: HCN4 (hyperpolarization activated cyclic nucleotide gated potassium channel 4; minus strand). Cytogenetic location: 15q24.1.
Variant type: single nucleotide variant.
Coding change: c.184G>C on transcript NM_005477.3 (MANE Select); coding-DNA position 184, G replaced by C.
Protein change: p.Ala62Pro; replaces alanine 62 with proline.
Molecular consequence: missense variant.
Genome position (GRCh38, 1-based): chr15:73,368,087, C>G on the plus strand (G>C on the coding strand, the complement: HCN4 is on the minus strand). VCF-style: chr15-73368087-C-G. GRCh37 (hg19) VCF-style: chr15-73660428-C-G.
Other names: c.184G>C (NM_005477.2); short protein forms A62P.
Identifiers: ClinVar variation 1415508 (VCV001415508.9), dbSNP rs2151228688, ClinGen allele CA393098776.